The following is an entry in ClinVar:

ClinVar aggregate classification (germline): Uncertain significance (1 of 4 stars; one submission).

Conditions:
Propionic acidemia (PROP). Also called: GLYCINEMIA, KETOTIC; HYPERGLYCINEMIA WITH KETOACIDOSIS AND LEUKOPENIA; KETOTIC HYPERGLYCINEMIA. Identifiers: Orphanet 35, MedGen C0268579, MONDO:0011628, OMIM 606054, HP:0003571.

Submission:

Labcorp Genetics (formerly Invitae), Labcorp
Classification: Uncertain significance for Propionic acidemia. Last evaluated: 2022-03-16. Review status: criteria provided, single submitter. Criteria: Invitae Variant Classification Sherloc (09022015). Collection method: clinical testing. Allele origin: germline.
Comment: This sequence change replaces glycine, which is neutral and non-polar, with aspartic acid, which is acidic and polar, at codon 393 of the PCCA protein (p.Gly393Asp). This variant is not present in population databases (gnomAD no frequency). This variant has not been reported in the literature in individuals affected with PCCA-related conditions. Advanced modeling of protein sequence and biophysical properties (such as structural, functional, and spatial information, amino acid conservation, physicochemical variation, residue mobility, and thermodynamic stability) performed at Invitae indicates that this missense variant is expected to disrupt PCCA protein function. In summary, the available evidence is currently insufficient to determine the role of this variant in disease. Therefore, it has been classified as a Variant of Uncertain Significance.

NM_000282.4(PCCA):c.1178G>A (p.Gly393Asp)

Gene: PCCA (propionyl-CoA carboxylase subunit alpha; plus strand). Cytogenetic location: 13q32.3.
Variant type: single nucleotide variant.
Coding change: c.1178G>A on transcript NM_000282.4 (MANE Select); coding-DNA position 1178, G replaced by A.
Protein change: p.Gly393Asp; replaces glycine 393 with aspartic acid.
Molecular consequence: missense variant. On other transcripts: intron variant (3), non-coding transcript variant (5).
Genome position (GRCh38, 1-based): chr13:100,301,572, G>A. VCF-style: chr13-100301572-G-A. GRCh37 (hg19) VCF-style: chr13-100953826-G-A.
Other names: c.121-1352G>A (NM_001352612.2); c.988-1352G>A (NM_001352608.2); c.1100G>A, p.Gly367Asp (NM_001127692.3, NM_001352607.2); c.1178G>A, p.Gly393Asp (NM_001178004.2, NM_001352605.2, NM_001352609.2); c.233G>A, p.Gly78Asp (NM_001352610.2, NM_001352611.2); c.1066-1352G>A (NM_001352606.2); short protein forms G367D, G393D, G78D.
Identifiers: ClinVar variation 1964004 (VCV001964004.2), dbSNP rs2548113938, ClinGen allele CA388695334.